The following is an entry in ClinVar:

ClinVar aggregate classification (germline): Uncertain significance (1 of 4 stars; one submission).

Conditions:
X-linked myopathy with postural muscle atrophy. Also called: FHL1-Related Emery-Dreifuss Muscular Dystrophy, X-Linked. Identifiers: Orphanet 178461, MedGen C2678055, MONDO:0010401, OMIM 300696.

Submission:

Labcorp Genetics (formerly Invitae), Labcorp
Classification: Uncertain significance for X-linked myopathy with postural muscle atrophy. Last evaluated: 2021-06-12. Review status: criteria provided, single submitter. Criteria: Invitae Variant Classification Sherloc (09022015). Collection method: clinical testing. Allele origin: germline.
Comment: This variant has not been reported in the literature in individuals with FHL1-related conditions. This variant is not present in population databases (ExAC no frequency). This sequence change replaces cysteine with phenylalanine at codon 273 of the FHL1 protein (p.Cys273Phe). The cysteine residue is highly conserved and there is a large physicochemical difference between cysteine and phenylalanine. Algorithms developed to predict the effect of missense changes on protein structure and function are either unavailable or do not agree on the potential impact of this missense change (SIFT: "Deleterious"; PolyPhen-2: "Probably Damaging"; Align-GVGD: "Class C0"). In summary, the available evidence is currently insufficient to determine the role of this variant in disease. Therefore, it has been classified as a Variant of Uncertain Significance.

NM_001159699.2(FHL1):c.866G>T (p.Cys289Phe)

Gene: FHL1 (four and a half LIM domains 1; plus strand). Cytogenetic location: Xq26.3.
Variant type: single nucleotide variant.
Coding change: c.866G>T on transcript NM_001159699.2 (MANE Select); coding-DNA position 866, G replaced by T.
Protein change: p.Cys289Phe; replaces cysteine 289 with phenylalanine.
Molecular consequence: missense variant. On other transcripts: 3 prime UTR variant (6), non-coding transcript variant (1).
Genome position (GRCh38, 1-based): chrX:136,210,000, G>T. VCF-style: chrX-136210000-G-T. GRCh37 (hg19) VCF-style: chrX-135292159-G-T.
Other names: c.818G>T, p.Cys273Phe (NM_001159700.2, NM_001159704.1, NM_001167819.1 and 4 more transcripts); c.905G>T, p.Cys302Phe (NM_001159701.2); c.*46G>T (NM_001159702.3, NM_001159703.2, NM_001330659.2 and 3 more transcripts); short protein forms C289F, C302F, C273F.
Identifiers: ClinVar variation 1360493 (VCV001360493.8), dbSNP rs1603273709, ClinGen allele CA414609907.
Genomic context (GRCh38, chrX:136,210,000, plus strand): 5'-AAAAATGCTCCGTGAATCTGGCCAACAAGCGCTTTGTTTTCCACCAGGAGCAAGTGTATT[G>T]TCCCGACTGTGCCAAAAAGCTGTAAACTGACAGGGGCTCCTGTCCTGTAAAATGGCATTT-3'
Protein context (NP_001153171.1, residues 279-296): RFVFHQEQVY[Cys289Phe]PDCAKKL